The following is an entry in ClinVar:

ClinVar aggregate classification (germline): Uncertain significance (1 of 4 stars; one submission).

Submission:

GeneDx
Classification: Uncertain significance. Last evaluated: 2019-08-13. Review status: criteria provided, single submitter. Criteria: GeneDx Variant Classification Process June 2021. Collection method: clinical testing. Allele origin: germline. Affected: yes.
Comment: Not observed in large population cohorts (Lek et al., 2016); In silico analysis, which includes splice predictors and evolutionary conservation, supports that this variant does not alter protein structure/function; Has not been previously published as pathogenic or benign to our knowledge

NM_001128159.3(VPS53):c.267G>C (p.Val89=)

Gene: VPS53 (VPS53 subunit of GARP complex; minus strand). Cytogenetic location: 17p13.3.
Variant type: single nucleotide variant.
Coding change: c.267G>C on transcript NM_001128159.3 (MANE Select); coding-DNA position 267, G replaced by C.
Protein change: p.Val89=; no amino-acid change (valine 89 retained).
Molecular consequence: synonymous variant. On other transcripts: 5 prime UTR variant (1).
Genome position (GRCh38, 1-based): chr17:697,436, C>G on the plus strand (G>C on the coding strand, the complement: VPS53 is on the minus strand). VCF-style: chr17-697436-C-G. GRCh37 (hg19) VCF-style: chr17-600676-C-G.
Other names: c.267G>C, p.Val89= (NM_001366253.2, NM_018289.4); c.-426G>C (NM_001366254.2).
Identifiers: ClinVar variation 1307774 (VCV001307774.2), dbSNP rs1443158408, ClinGen allele CA497249079.